The following is an entry in ClinVar:

NM_004204.5(PIGQ):c.156G>A (p.Val52=)

Gene: PIGQ (phosphatidylinositol glycan anchor biosynthesis class Q; plus strand). Cytogenetic location: 16p13.3.
Variant type: single nucleotide variant.
Coding change: c.156G>A on transcript NM_004204.5 (MANE Select); coding-DNA position 156, G replaced by A.
Protein change: p.Val52=; no amino-acid change (valine 52 retained).
Molecular consequence: synonymous variant.
Genome position (GRCh38, 1-based): chr16:574,230, G>A. VCF-style: chr16-574230-G-A. GRCh37 (hg19) VCF-style: chr16-624230-G-A.
Other names: c.156G>A, p.Val52= (NM_148920.4).
Identifiers: ClinVar variation 1953940 (VCV001953940.2), dbSNP rs1242906892, ClinGen allele CA493001842.

ClinVar aggregate classification (germline): Uncertain significance (1 of 4 stars; one submission).

Conditions:
Epilepsy. Also called: Seizure disorder. Identifiers: MedGen C0014544, MeSH D004827, MONDO:0005027.

Allele frequency attached by ClinVar (database versions not stated): gnomAD exomes below 0.00001.
gnomAD v4.1: 2 of 1,611,144 alleles (0.00012%); highest among the groups gnomAD compares: Admixed American, 0.0017%; no homozygotes.

Submission:

Labcorp Genetics (formerly Invitae), Labcorp
Classification: Uncertain significance for Epilepsy. Last evaluated: 2022-06-15. Review status: criteria provided, single submitter. Criteria: Invitae Variant Classification Sherloc (09022015). Collection method: clinical testing. Allele origin: germline.
Comment: This sequence change affects codon 52 of the PIGQ mRNA. It is a 'silent' change, meaning that it does not change the encoded amino acid sequence of the PIGQ protein. The frequency data for this variant in the population databases is considered unreliable, as metrics indicate poor data quality at this position in the gnomAD database. This variant has not been reported in the literature in individuals affected with PIGQ-related conditions. Algorithms developed to predict the effect of sequence changes on RNA splicing suggest that this variant may create or strengthen a splice site. In summary, the available evidence is currently insufficient to determine the role of this variant in disease. Therefore, it has been classified as a Variant of Uncertain Significance.